The following is an entry in ClinVar:

NM_006389.5(HYOU1):c.910C>T (p.Arg304Cys)

Gene: HYOU1 (hypoxia up-regulated 1; minus strand). Cytogenetic location: 11q23.3.
Variant type: single nucleotide variant.
Coding change: c.910C>T on transcript NM_006389.5 (MANE Select); coding-DNA position 910, C replaced by T.
Protein change: p.Arg304Cys; replaces arginine 304 with cysteine.
Molecular consequence: missense variant.
Genome position (GRCh38, 1-based): chr11:119,052,714, G>A on the plus strand (C>T on the coding strand, the complement: HYOU1 is on the minus strand). VCF-style: chr11-119052714-G-A. GRCh37 (hg19) VCF-style: chr11-118923426-G-A.
Other names: c.910C>T, p.Arg304Cys (NM_001130991.3, NM_001411041.1); short protein forms R304C.
Identifiers: ClinVar variation 2795030 (VCV002795030.3), dbSNP rs2497176032, ClinGen allele CA382943941.

ClinVar aggregate classification (germline): Uncertain significance (1 of 4 stars; one submission).

Allele frequency attached by ClinVar (database versions not stated): gnomAD exomes 0.00001.

Submission:

Labcorp Genetics (formerly Invitae), Labcorp
Classification: Uncertain significance. Last evaluated: 2023-11-28. Review status: criteria provided, single submitter. Criteria: Invitae Variant Classification Sherloc (09022015). Collection method: clinical testing. Allele origin: germline.
Comment: This sequence change replaces arginine, which is basic and polar, with cysteine, which is neutral and slightly polar, at codon 304 of the HYOU1 protein (p.Arg304Cys). This variant is not present in population databases (gnomAD no frequency). This variant has not been reported in the literature in individuals affected with HYOU1-related conditions. An algorithm developed to predict the effect of missense changes on protein structure and function (PolyPhen-2) suggests that this variant is likely to be disruptive. In summary, the available evidence is currently insufficient to determine the role of this variant in disease. Therefore, it has been classified as a Variant of Uncertain Significance.